The following is an entry in ClinVar:

NM_152383.5(DIS3L2):c.1883T>C (p.Met628Thr)

Gene: DIS3L2 (DIS3 like 3'-5' exoribonuclease 2; plus strand). Cytogenetic location: 2q37.1.
Variant type: single nucleotide variant.
Coding change: c.1883T>C on transcript NM_152383.5 (MANE Select); coding-DNA position 1883, T replaced by C.
Protein change: p.Met628Thr; replaces methionine 628 with threonine.
Molecular consequence: missense variant. On other transcripts: non-coding transcript variant (2), intron variant (1).
Genome position (GRCh38, 1-based): chr2:232,329,956, T>C. VCF-style: chr2-232329956-T-C. GRCh37 (hg19) VCF-style: chr2-233194666-T-C.
Other names: c.1582-13389T>C (NM_001257281.2); short protein forms M628T.
Identifiers: ClinVar variation 2714926 (VCV002714926.3), dbSNP rs2469434568, ClinGen allele CA350976226.

ClinVar aggregate classification (germline): Uncertain significance (1 of 4 stars; one submission).

Conditions:
Perlman syndrome (PRLMNS). Identifiers: Orphanet 2849, MedGen C0796113, MONDO:0009965, OMIM 267000.

Submission:

Labcorp Genetics (formerly Invitae), Labcorp
Classification: Uncertain significance for Perlman syndrome. Last evaluated: 2023-06-14. Review status: criteria provided, single submitter. Criteria: Invitae Variant Classification Sherloc (09022015). Collection method: clinical testing. Allele origin: germline.
Comment: Advanced modeling of protein sequence and biophysical properties (such as structural, functional, and spatial information, amino acid conservation, physicochemical variation, residue mobility, and thermodynamic stability) performed at Invitae indicates that this missense variant is not expected to disrupt DIS3L2 protein function. In summary, the available evidence is currently insufficient to determine the role of this variant in disease. Therefore, it has been classified as a Variant of Uncertain Significance. This variant has not been reported in the literature in individuals affected with DIS3L2-related conditions. This variant is not present in population databases (gnomAD no frequency). This sequence change replaces methionine, which is neutral and non-polar, with threonine, which is neutral and polar, at codon 628 of the DIS3L2 protein (p.Met628Thr).